The following is an entry in ClinVar:

NM_001113378.2(FANCI):c.2588A>G (p.Asp863Gly)

Gene: FANCI (FA complementation group I; plus strand). Cytogenetic location: 15q26.1.
Variant type: single nucleotide variant.
Coding change: c.2588A>G on transcript NM_001113378.2 (MANE Select); coding-DNA position 2588, A replaced by G.
Protein change: p.Asp863Gly; replaces aspartic acid 863 with glycine.
Molecular consequence: missense variant. On other transcripts: intron variant (1).
Genome position (GRCh38, 1-based): chr15:89,295,046, A>G. VCF-style: chr15-89295046-A-G. GRCh37 (hg19) VCF-style: chr15-89838277-A-G.
Other names: c.2309A>G, p.Asp770Gly (NM_001376910.1); c.2588A>G, p.Asp863Gly (NM_001376911.1); c.2456+1049A>G (NM_018193.3); short protein forms D863G, D770G.
Identifiers: ClinVar variation 1513878 (VCV001513878.3), dbSNP rs2054201315, ClinGen allele CA393751015.

ClinVar aggregate classification (germline): Uncertain significance (1 of 4 stars; one submission).

Conditions:
Fanconi anemia (FA). Also called: Fanconi's anemia. Identifiers: Orphanet 84, MedGen C0015625, MeSH D005199, MONDO:0019391.

Allele frequency attached by ClinVar (database versions not stated): TOPMed below 0.00001.
gnomAD v4.1: 1 of 1,552,122 alleles (0.000064%); highest among the groups gnomAD compares: Non-Finnish European, 0.000087%; no homozygotes.

Submission:

Labcorp Genetics (formerly Invitae), Labcorp
Classification: Uncertain significance for Fanconi anemia. Last evaluated: 2022-09-08. Review status: criteria provided, single submitter. Criteria: Invitae Variant Classification Sherloc (09022015). Collection method: clinical testing. Allele origin: germline.
Comment: This sequence change replaces aspartic acid, which is acidic and polar, with glycine, which is neutral and non-polar, at codon 863 of the FANCI protein (p.Asp863Gly). This variant is not present in population databases (gnomAD no frequency). This variant has not been reported in the literature in individuals affected with FANCI-related conditions. ClinVar contains an entry for this variant (Variation ID: 1513878). Algorithms developed to predict the effect of missense changes on protein structure and function are either unavailable or do not agree on the potential impact of this missense change (SIFT: "Deleterious"; PolyPhen-2: "Benign"; Align-GVGD: "Class C0"). In summary, the available evidence is currently insufficient to determine the role of this variant in disease. Therefore, it has been classified as a Variant of Uncertain Significance.